The following is an entry in ClinVar:

ClinVar aggregate classification (germline): Conflicting classifications of pathogenicity. Review status: criteria provided, conflicting classifications (1 of 4 stars). 9 submissions from 8 submitters: Pathogenic (1); Likely pathogenic (2); Uncertain significance (6). Last evaluated 2024-08-26.

Conditions:
Malignant hyperthermia, susceptibility to, 1 (MHS1). Also called: RYR1-Related Malignant Hyperthermia Susceptibility; Anesthesia related hyperthermia; Malignant hyperpyrexia; Fulminating hyperpyrexia; Pharmacogenic myopathy; Malignant hyperthermia suceptibility 1. Identifiers: Orphanet 423, MedGen C2930980, MONDO:0007783, OMIM 145600.
RYR1-related disorder. Also called: RYR1-related condition; RYR1-related disorders. Identifiers: MedGen CN239331.
Centronuclear myopathy (CNM). Also called: Centronuclear myopathy, congenital; Myotubular myopathy. Identifiers: Orphanet 595, MedGen C0175709, MONDO:0018947. Inheritance: All.
RYR1-related myopathy. Identifiers: Orphanet 98742, MedGen CN305348, MONDO:0100150.
Congenital multicore myopathy with external ophthalmoplegia (CMYO1B). Also called: Congenital myopathy 1B, autosomal recessive; Minicore myopathy; MULTIMINICORE DISEASE WITH EXTERNAL OPHTHALMOPLEGIA; Minicore myopathy with external ophthalmoplegia; MULTICORE MYOPATHY. Identifiers: Orphanet 598, Orphanet 98905, MedGen C1850674, MONDO:0009712, OMIM 255320, HP:0003789.

Allele frequency attached by ClinVar (database versions not stated): gnomAD exomes below 0.00001 and 0.00001; ExAC 0.00001; gnomAD 0.00002 and 0.00003.
gnomAD v4.1: 23 of 1,600,910 alleles (0.0014%); highest among the groups gnomAD compares: South Asian, 0.0022%; no homozygotes.

Submissions (9):

Baylor Genetics
Classification: Uncertain significance for Congenital multicore myopathy with external ophthalmoplegia. Last evaluated: 2024-08-26. Review status: criteria provided, single submitter. Criteria: ACMG Guidelines, 2015. Collection method: clinical testing. Allele origin: paternal. Inheritance: Autosomal unknown. Affected: yes.

Color Diagnostics, LLC DBA Color Health
Classification: Uncertain significance for Malignant hyperthermia, susceptibility to, 1. Last evaluated: 2024-04-11. Review status: criteria provided, single submitter. Criteria: ACMG Guidelines, 2015. Collection method: clinical testing. Allele origin: germline.
Comment: This missense variant replaces glycine with arginine at codon 2365 of the RYR1 protein. Computational prediction suggests that this variant may have deleterious impact on protein structure and function. To our knowledge, functional studies have not been reported for this variant. This variant has not been reported in individuals affected with autosomal dominant malignant hyperthermia in the literature, although it has been reported in individuals affected with other conditions (PMID: 25214167, 25957634, 28818389, 32236737, 38162159). This variant has been identified in 1/238872 chromosomes in the general population by the Genome Aggregation Database (gnomAD). Due to insufficient evidence, this variant is classified as a Variant of Uncertain Significance for autosomal dominant malignant hyperthermia.

Muscle and Diseases Team, Institut de Génétique et Biologie Moléculaire et Cellulaire
Classification: Likely pathogenic for Centronuclear myopathy. Last evaluated: 2024-03-01. Review status: criteria provided, single submitter. Criteria: ACMG Guidelines, 2015. Collection method: research. Allele origin: unknown. Affected: yes. Observed: 1 variant allele.
Comment: PM1+PM2+PM3+PP1+PP2+PP3+PP5

Muscle and Diseases Team, Institut de Génétique et Biologie Moléculaire et Cellulaire
Classification: Pathogenic for RYR1-related myopathy. Last evaluated: 2024-03-01. Review status: criteria provided, single submitter. Criteria: ACMG Guidelines, 2015. Collection method: research. Allele origin: unknown. Affected: yes. Observed: 2 variant alleles.
Comment: PM3_Strong+PM1+PM2+PP2+PP3+PP5

Labcorp Genetics (formerly Invitae), Labcorp
Classification: Uncertain significance for RYR1-related disorder. Last evaluated: 2023-12-30. Review status: criteria provided, single submitter. Criteria: Invitae Variant Classification Sherloc (09022015). Collection method: clinical testing. Allele origin: germline.
Comment: This sequence change replaces glycine, which is neutral and non-polar, with arginine, which is basic and polar, at codon 2365 of the RYR1 protein (p.Gly2365Arg). The frequency data for this variant in the population databases is considered unreliable, as metrics indicate poor data quality at this position in the gnomAD database. This missense change has been observed in individual(s) with autosomal recessive centronuclear myopathy (PMID: 28818389). In at least one individual the data is consistent with being in trans (on the opposite chromosome) from a pathogenic variant. This variant has been reported in individual(s) with clinical features of autosomal dominant central core disease (PMID: 25214167; Invitae); however, the role of the variant in this condition is currently unclear. ClinVar contains an entry for this variant (Variation ID: 561101). Advanced modeling of protein sequence and biophysical properties (such as structural, functional, and spatial information, amino acid conservation, physicochemical variation, residue mobility, and thermodynamic stability) performed at Invitae indicates that this missense variant is expected to disrupt RYR1 protein function with a positive predictive value of 95%. In summary, the available evidence is currently insufficient to determine the role of this variant in disease. Therefore, it has been classified as a Variant of Uncertain Significance.

All of Us Research Program, National Institutes of Health
Classification: Uncertain significance for Malignant hyperthermia, susceptibility to, 1. Last evaluated: 2023-12-01. Review status: criteria provided, single submitter. Criteria: ACMG Guidelines, 2015. Collection method: clinical testing. Allele origin: germline. Inheritance: Autosomal dominant inheritance. Observed: 1 variant allele, 1 heterozygote.
Comment: This study involves interpretation of variants in research participants for the purpose of population health screening. Participant phenotype was not available at the time of variant classification. Additional details can be found in publication PMID: 35346344, PMCID: PMC8962531

Mayo Clinic Laboratories, Mayo Clinic
Classification: Uncertain significance. Last evaluated: 2022-10-07. Review status: criteria provided, single submitter. Criteria: ACMG Guidelines, 2015. Collection method: clinical testing. Allele origin: germline. Observed: 1 variant allele.
Comment: PP3, PM2

GeneDx
Classification: Uncertain significance. Last evaluated: 2021-03-29. Review status: criteria provided, single submitter. Criteria: GeneDx Variant Classification Process June 2021. Collection method: clinical testing. Allele origin: germline. Affected: yes.
Comment: Not observed at a significant frequency in large population cohorts (Lek et al., 2016); In silico analysis, which includes protein predictors and evolutionary conservation, supports a deleterious effect; Observed in the heterozygous state in at least two individuals with features of RYR1-related disorder, but one individual had limited clinical information provided and only a benign RYR1 variant identified as a second variant, whereas the other individual also had a splicing variant in RYR1, but it is not known whether the variants occurred on the same (in cis) or on different (in trans) chromosomes (Savarese et al., 2014; Fattori et al., 2015; Abath Neto et al., 2017) This variant is associated with the following publications: (PMID: 25326635, 28818389, 25957634, 25214167)

Clinical Genetics and Genomics, Karolinska University Hospital
Classification: Likely pathogenic. Last evaluated: 2017-02-21. Review status: criteria provided, single submitter. Criteria: ACMG Guidelines, 2015. Collection method: clinical testing. Allele origin: germline. Affected: yes. Observed: 1 variant allele.

Literature cited by the submitters: PubMed 25326635 (cited by Baylor Genetics and Mayo Clinic Laboratories, Mayo Clinic); PubMed 25214167 (cited by 3 submitters); PubMed 25957634 (cited by Color Diagnostics, LLC DBA Color Health and Mayo Clinic Laboratories, Mayo Clinic); PubMed 28818389 (cited by 4 submitters); PubMed 32236737 (cited by Color Diagnostics, LLC DBA Color Health); PubMed 38162159 (cited by Color Diagnostics, LLC DBA Color Health); DOI 10.1186/s13073-024-01353-0 (cited by Muscle and Diseases Team, Institut de Génétique et Biologie Moléculaire et Cellulaire); PubMed 33726816 (cited by Mayo Clinic Laboratories, Mayo Clinic); file:///C:/Users/M135399/Downloads/769-1765-1-PB.pdf (cited by Mayo Clinic Laboratories, Mayo Clinic).

NM_000540.3(RYR1):c.7093G>A (p.Gly2365Arg)

Gene: RYR1 (ryanodine receptor 1; plus strand). Cytogenetic location: 19q13.2.
Variant type: single nucleotide variant.
Coding change: c.7093G>A on transcript NM_000540.3 (MANE Select); coding-DNA position 7093, G replaced by A.
Protein change: p.Gly2365Arg; replaces glycine 2365 with arginine.
Molecular consequence: missense variant.
Genome position (GRCh38, 1-based): chr19:38,499,700, G>A. VCF-style: chr19-38499700-G-A. GRCh37 (hg19) VCF-style: chr19-38990340-G-A.
Other names: p.Gly2365Arg; c.7093G>A, p.Gly2365Arg (NM_001042723.2); short protein forms G2365R.
Identifiers: ClinVar variation 561101 (VCV000561101.17), dbSNP rs761224660, ClinGen allele CA069126.
Genomic context (GRCh38, chr19:38,499,700, plus strand): 5'-AGCGTGGAGGAGAACGCCAATGTGGTGGTGCGGCTGCTCATCCGGAAGCCTGAGTGCTTC[G>A]GACCCGCCCTGCGGGGTGAGGGTGGCTCAGGGCTGCTGGCTGCCATCGAAGAGGCCATCC-3'
Protein context (NP_000531.2, residues 2355-2375): RLLIRKPECF[Gly2365Arg]PALRGEGGSG